The following is an entry in ClinVar:

ClinVar aggregate classification (germline): Pathogenic (1 of 4 stars; one submission).

Conditions:
Nephronophthisis. Also called: Juvenile Nephronophthisis. Identifiers: Orphanet 655, MedGen C0687120, MONDO:0019005, HP:0000090.

Submission:

Labcorp Genetics (formerly Invitae), Labcorp
Classification: Pathogenic for Nephronophthisis. Last evaluated: 2023-12-13. Review status: criteria provided, single submitter. Criteria: Invitae Variant Classification Sherloc (09022015). Collection method: clinical testing. Allele origin: germline.
Comment: This sequence change creates a premature translational stop signal (p.Leu767Profs*6) in the INVS gene. It is expected to result in an absent or disrupted protein product. Loss-of-function variants in INVS are known to be pathogenic (PMID: 12872123). This variant is not present in population databases (gnomAD no frequency). This variant has not been reported in the literature in individuals affected with INVS-related conditions. For these reasons, this variant has been classified as Pathogenic.

Literature cited by the submitters: PubMed 12872123.

NM_014425.5(INVS):c.2299dup (p.Leu767fs)

Gene: INVS (inversin; plus strand). Cytogenetic location: 9q31.1.
Variant type: Duplication.
Coding change: c.2299dup on transcript NM_014425.5 (MANE Select); coding-DNA position 2299, one base duplicated (C; older notation c.2299dupC).
Protein change: p.Leu767fs; shifts the reading frame from leucine 767.
Molecular consequence: frameshift variant. On other transcripts: non-coding transcript variant (1).
Genome position (GRCh38, 1-based): chr9:100,292,556, C duplicated; the last of 2 consecutive C bases (chr9:100,292,555-100,292,556); duplicating either gives the same sequence. VCF-style (leftmost placement, unchanged base first): chr9-100292554-G-GC. GRCh37 (hg19) VCF-style: chr9-103054836-G-GC.
Other names: c.2011dup, p.Leu671fs (NM_001318381.2); c.1321dup, p.Leu441fs (NM_001318382.2); short protein forms L671fs, L767fs, L441fs.
Identifiers: ClinVar variation 2863627 (VCV002863627.3), dbSNP rs2490115774, ClinGen allele CA2739264904.